The following is an entry in ClinVar:

NM_014339.7(IL17RA):c.1396C>T (p.Arg466Trp)

Gene: IL17RA (interleukin 17 receptor A; plus strand). Cytogenetic location: 22q11.1.
Variant type: single nucleotide variant.
Coding change: c.1396C>T on transcript NM_014339.7 (MANE Select); coding-DNA position 1396, C replaced by T.
Protein change: p.Arg466Trp; replaces arginine 466 with tryptophan.
Molecular consequence: missense variant.
Genome position (GRCh38, 1-based): chr22:17,108,615, C>T. VCF-style: chr22-17108615-C-T. GRCh37 (hg19) VCF-style: chr22-17589505-C-T.
Other names: c.1294C>T, p.Arg432Trp (NM_001289905.2); short protein forms R432W, R466W.
Identifiers: ClinVar variation 4699595 (VCV004699595.1).

ClinVar aggregate classification (germline): Uncertain significance (1 of 4 stars; one submission).

Conditions:
Immunodeficiency 51 (IMD51). Also called: CANDIDIASIS, FAMILIAL, 5. Identifiers: Orphanet 1334, MedGen C4310803, MONDO:0013500, OMIM 613953.

gnomAD v4.1: 3 of 1,604,486 alleles (0.00019%); highest among the groups gnomAD compares: East Asian, 0.0022%; no homozygotes.

Submission:

Labcorp Genetics (formerly Invitae), Labcorp
Classification: Uncertain significance for Immunodeficiency 51. Last evaluated: 2025-11-11. Review status: criteria provided, single submitter. Criteria: Invitae Variant Classification Sherloc (09022015). Collection method: clinical testing. Allele origin: germline.
Comment: This sequence change replaces arginine, which is basic and polar, with tryptophan, which is neutral and slightly polar, at codon 466 of the IL17RA protein (p.Arg466Trp). This variant is not present in population databases (gnomAD no frequency). This variant has not been reported in the literature in individuals affected with IL17RA-related conditions. Invitae Evidence Modeling of protein sequence and biophysical properties (such as structural, functional, and spatial information, amino acid conservation, physicochemical variation, residue mobility, and thermodynamic stability) indicates that this missense variant is not expected to disrupt IL17RA protein function with a negative predictive value of 80%. In summary, the available evidence is currently insufficient to determine the role of this variant in disease. Therefore, it has been classified as a Variant of Uncertain Significance.